The following is an entry in ClinVar:

NM_014334.4(FRRS1L):c.-57G>A

Gene: FRRS1L (ferric chelate reductase 1 like; minus strand). Cytogenetic location: 9q31.3.
Variant type: single nucleotide variant.
Coding change: c.-57G>A on transcript NM_014334.4 (MANE Select); 57 bases upstream of the start codon, G replaced by A.
Molecular consequence: 5 prime UTR variant.
Genome position (GRCh38, 1-based): chr9:109,167,195, C>T on the plus strand (G>A on the coding strand, the complement: FRRS1L is on the minus strand). VCF-style: chr9-109167195-C-T. GRCh37 (hg19) VCF-style: chr9-111929475-C-T.
Identifiers: ClinVar variation 1356449 (VCV001356449.8), dbSNP rs1831567424, ClinGen allele CA374430919.

ClinVar aggregate classification (germline): Uncertain significance (1 of 4 stars; one submission).

Conditions:
Developmental and epileptic encephalopathy, 37 (DEE37). Also called: Epileptic encephalopathy, early infantile, 37. Identifiers: MedGen C4310770, MONDO:0014859, OMIM 616981.

Submission:

Labcorp Genetics (formerly Invitae), Labcorp
Classification: Uncertain significance for Developmental and epileptic encephalopathy, 37. Last evaluated: 2021-04-02. Review status: criteria provided, single submitter. Criteria: Invitae Variant Classification Sherloc (09022015). Collection method: clinical testing. Allele origin: germline.
Comment: This sequence change replaces alanine with threonine at codon 33 of the FRRS1L protein (p.Ala33Thr). The alanine residue is weakly conserved and there is a small physicochemical difference between alanine and threonine. The frequency data for this variant in the population databases is considered unreliable, as metrics indicate insufficient coverage at this position in the ExAC database. This variant has not been reported in the literature in individuals with FRRS1L-related conditions. Algorithms developed to predict the effect of missense changes on protein structure and function are either unavailable or do not agree on the potential impact of this missense change (SIFT: "Deleterious"; PolyPhen-2: "Not Available"; Align-GVGD: "Class C0"). In summary, the available evidence is currently insufficient to determine the role of this variant in disease. Therefore, it has been classified as a Variant of Uncertain Significance.